The following is an entry in ClinVar:

ClinVar aggregate classification (germline): Uncertain significance (1 of 4 stars; one submission).

Submission:

Labcorp Genetics (formerly Invitae), Labcorp
Classification: Uncertain significance. Last evaluated: 2024-02-23. Review status: criteria provided, single submitter. Criteria: Invitae Variant Classification Sherloc (09022015). Collection method: clinical testing. Allele origin: germline.
Comment: This sequence change replaces lysine with serine at codon 534 of the CEP250 protein (p.Lys534Ser). The lysine residue is moderately conserved and there is a moderate physicochemical difference between lysine and serine. Information on the frequency of this variant in the gnomAD database is not available, as this variant may be reported differently in the database. This variant has not been reported in the literature in individuals affected with CEP250-related conditions. ClinVar contains an entry for this variant (Variation ID: 1437915). An algorithm developed to predict the effect of missense changes on protein structure and function (PolyPhen-2) suggests that this variant is likely to be disruptive. In summary, the available evidence is currently insufficient to determine the role of this variant in disease. Therefore, it has been classified as a Variant of Uncertain Significance.

NM_007186.6(CEP250):c.1601_1602delinsGT (p.Lys534Ser)

Genes: CEP250 (centrosomal protein 250; plus strand), CEP250-AS1 (CEP250 antisense RNA 1; minus strand). Cytogenetic location: 20q11.22.
Variant type: Indel.
Coding change: c.1601_1602delinsGT on transcript NM_007186.6 (MANE Select); coding-DNA positions 1601 to 1602, AA replaced by GT.
Protein change: p.Lys534Ser; replaces lysine 534 with serine.
Molecular consequence: missense variant. On other transcripts: 5 prime UTR variant (1).
Genome position (GRCh38, 1-based): chr20:35,475,531-35,475,532, AA replaced by GT. VCF-style: chr20-35475531-AA-GT. GRCh37 (hg19) VCF-style: chr20-34063356-AA-GT.
Other names: c.-299_-298delinsGT (NM_001318219.1); short protein forms K534S.
Identifiers: ClinVar variation 1437915 (VCV001437915.6), dbSNP rs2146821765, ClinGen allele CA2573157019.